The following is an entry in ClinVar:

NM_000543.5(SMPD1):c.894_902del (p.Thr300_Thr302del)

Gene: SMPD1 (sphingomyelin phosphodiesterase 1; plus strand). Cytogenetic location: 11p15.4.
Variant type: Deletion.
Coding change: c.894_902del on transcript NM_000543.5 (MANE Select); coding-DNA positions 894 to 902, 9 bases deleted (GACCACCGT; older notation c.894_902delGACCACCGT).
Protein change: p.Thr300_Thr302del.
Molecular consequence: inframe deletion. On other transcripts: 5 prime UTR variant (1), non-coding transcript variant (1).
Genome position (GRCh38, 1-based): chr11:6,391,959-6,391,967, GACCACCGT deleted; deleting any 9 consecutive bases within chr11:6,391,958-6,391,967 gives the same sequence; the c. name uses the placement nearest the transcript's 3' end. VCF-style (leftmost placement, unchanged base first): chr11-6391957-CTGACCACCG-C. GRCh37 (hg19) VCF-style: chr11-6413187-CTGACCACCG-C.
Other names: c.891_899del, p.Thr299_Thr301del (NM_001007593.3); c.894_902del, p.Thr300_Thr302del (NM_001318087.2, NM_001365135.2); c.-68_-60del (NM_001318088.2).
Identifiers: ClinVar variation 556649 (VCV000556649.3), dbSNP rs1554934457, ClinGen allele CA658822281.

ClinVar aggregate classification (germline): Likely pathogenic. Review status: criteria provided, single submitter (1 of 4 stars). 2 submissions from 2 submitters: Likely pathogenic (1). 1 of the submissions does not count toward it. Last evaluated 2025-12-18.

Conditions:
Acid sphingomyelinase deficiency. Identifiers: Orphanet 618899, MedGen C5243927, MONDO:0100464.
Niemann-Pick disease, type A. Also called: SPHINGOMYELIN LIPIDOSIS; SPHINGOMYELINASE DEFICIENCY; Infantile Neurovisceral ASMD (Niemann-Pick Disease Type A; NPD-A). Identifiers: Orphanet 77292, MedGen C0268242, MONDO:0009756, OMIM 257200. Disease mechanism: loss of function.

Submissions (2):

Victorian Clinical Genetics Services, Murdoch Childrens Research Institute
Classification: Likely pathogenic for Acid sphingomyelinase deficiency. Last evaluated: 2025-12-18. Review status: criteria provided, single submitter. Criteria: ACMG Guidelines, 2015. Collection method: clinical testing. Allele origin: germline.
Comment: This variant is classified as Likely pathogenic. Evidence in support of pathogenic classification: In-frame insertion/deletion in a non-repetitive region that has moderate conservation; Variant is present in gnomAD <0.01 for a recessive condition (v4: 1 heterozygote(s), 0 homozygote(s)); Heterozygous variant detected in trans with a second PATHOGENIC heterozygous variant (NM_000543.5(SMPD1):c.1624C>T; p.(Arg542*)) in a recessive disease. Additional information: This gene is associated with autosomal recessive disease; Previous evidence of pathogenicity for this variant is inconclusive. This variant has been classified as VUS by a clinical laboratory in ClinVar, and reported in the literature in at least one individual with metabolic disease (PMID: 35614200); No published evidence of segregation with disease has been identified for this variant; No published functional evidence has been identified for this variant; No comparable in-frame deletion variants have previous evidence for pathogenicity; Variant is located in the annotated calcineurin-like phosphoesterase domain (DECIPHER); Loss of function is a known mechanism of disease in this gene and is associated with acid sphingomyelinase deficiency (MONDO:0100464).

Counsyl
Classification: Uncertain significance for Niemann-Pick disease, type A. Last evaluated: 2018-02-13. Review status: no assertion criteria provided. Collection method: clinical testing. Allele origin: unknown. Not counted in ClinVar's aggregate classification.

Literature cited by the submitters: PubMed 35614200 (cited by Victorian Clinical Genetics Services, Murdoch Childrens Research Institute).